The following is an entry in ClinVar:

ClinVar aggregate classification (germline): Uncertain significance (1 of 4 stars; one submission).

Allele frequency attached by ClinVar (database versions not stated): gnomAD 0.00002 and 0.00003; TOPMed 0.00003; gnomAD exomes 0.00004; ExAC 0.00007.
gnomAD v4.1: 31 of 1,612,384 alleles (0.0019%); highest among the groups gnomAD compares: East Asian, 0.069%; no homozygotes.

Submission:

Women's Health and Genetics/Laboratory Corporation of America, LabCorp
Classification: Uncertain significance. Last evaluated: 2020-03-02. Review status: criteria provided, single submitter. Criteria: LabCorp Variant Classification Summary - May 2015. Collection method: clinical testing. Allele origin: germline.
Comment: Variant summary: EYA4 c.-14A>G is located in the untranslated mRNA region upstream of the initiation codon. The variant allele was found at a frequency of 3.6e-05 in 251154 control chromosomes, predominantly at a frequency of 0.00044 within the East Asian subpopulation in the gnomAD database. The available data on variant occurrences in the general population are insufficient to allow any conclusion about variant significance. To our knowledge, no occurrence of c.-14A>G in individuals affected with Cardiomyopathy and no experimental evidence demonstrating its impact on protein function have been reported. No clinical diagnostic laboratories have submitted clinical-significance assessments for this variant to ClinVar after 2014. Based on the evidence outlined above, the variant was classified as uncertain significance.

NM_004100.5(EYA4):c.-14A>G

Gene: EYA4 (EYA transcriptional coactivator and phosphatase 4; plus strand). Cytogenetic location: 6q23.2.
Variant type: single nucleotide variant.
Coding change: c.-14A>G on transcript NM_004100.5 (MANE Select); 14 bases upstream of the start codon, A replaced by G.
Molecular consequence: 5 prime UTR variant.
Genome position (GRCh38, 1-based): chr6:133,274,767, A>G. VCF-style: chr6-133274767-A-G. GRCh37 (hg19) VCF-style: chr6-133595905-A-G.
Other names: c.-14A>G (NM_001301012.2, NM_001301013.2, NM_001370458.1 and 3 more transcripts).
Identifiers: ClinVar variation 918093 (VCV000918093.1), dbSNP rs760845191, ClinGen allele CA4007902.